The following is an entry in ClinVar:

NM_004525.3(LRP2):c.1336A>G (p.Asn446Asp)

Gene: LRP2 (LDL receptor related protein 2; minus strand). Cytogenetic location: 2q31.1.
Variant type: single nucleotide variant.
Coding change: c.1336A>G on transcript NM_004525.3 (MANE Select); coding-DNA position 1336, A replaced by G.
Protein change: p.Asn446Asp; replaces asparagine 446 with aspartic acid.
Molecular consequence: missense variant.
Genome position (GRCh38, 1-based): chr2:169,280,355, T>C on the plus strand (A>G on the coding strand, the complement: LRP2 is on the minus strand). VCF-style: chr2-169280355-T-C. GRCh37 (hg19) VCF-style: chr2-170136865-T-C.
Other names: short protein forms N446D.
Identifiers: ClinVar variation 2035004 (VCV002035004.1), dbSNP rs1361760260, ClinGen allele CA349149719.

ClinVar aggregate classification (germline): Uncertain significance (1 of 4 stars; one submission).

Allele frequency attached by ClinVar (database versions not stated): gnomAD exomes below 0.00001; TOPMed below 0.00001.
gnomAD v4.1: 1 of 1,614,188 alleles (0.000062%); highest among the groups gnomAD compares: Admixed American, 0.0017%; no homozygotes.

Submission:

Labcorp Genetics (formerly Invitae), Labcorp
Classification: Uncertain significance. Last evaluated: 2022-01-18. Review status: criteria provided, single submitter. Criteria: Invitae Variant Classification Sherloc (09022015). Collection method: clinical testing. Allele origin: germline.
Comment: This sequence change replaces asparagine, which is neutral and polar, with aspartic acid, which is acidic and polar, at codon 446 of the LRP2 protein (p.Asn446Asp). This variant is present in population databases (no rsID available, gnomAD 0.003%). This variant has not been reported in the literature in individuals affected with LRP2-related conditions. Advanced modeling of protein sequence and biophysical properties (such as structural, functional, and spatial information, amino acid conservation, physicochemical variation, residue mobility, and thermodynamic stability) performed at Invitae indicates that this missense variant is not expected to disrupt LRP2 protein function. In summary, the available evidence is currently insufficient to determine the role of this variant in disease. Therefore, it has been classified as a Variant of Uncertain Significance.